The following is an entry in ClinVar:

NM_001127222.2(CACNA1A):c.6745C>T (p.Pro2249Ser)

Genes: CACNA1A (calcium voltage-gated channel subunit alpha1 A; minus strand), LOC130063717 (ATAC-STARR-seq lymphoblastoid silent region 10203; plus strand). Cytogenetic location: 19p13.13.
Variant type: single nucleotide variant.
Coding change: c.6745C>T on transcript NM_001127222.2 (MANE Select); coding-DNA position 6745, C replaced by T.
Protein change: p.Pro2249Ser; replaces proline 2249 with serine.
Molecular consequence: missense variant.
Genome position (GRCh38, 1-based): chr19:13,208,791, G>A on the plus strand (C>T on the coding strand, the complement: CACNA1A is on the minus strand). VCF-style: chr19-13208791-G-A. GRCh37 (hg19) VCF-style: chr19-13319605-G-A.
Other names: c.6763C>T, p.Pro2255Ser (NM_000068.4, NM_023035.3); c.6748C>T, p.Pro2250Ser (NM_001127221.2); c.6754C>T, p.Pro2252Ser (NM_001174080.2); short protein forms P2249S, P2250S, P2252S, P2255S.
Identifiers: ClinVar variation 1723622 (VCV001723622.2), dbSNP rs771433851, ClinGen allele CA9239274.

ClinVar aggregate classification (germline): Uncertain significance (1 of 4 stars; one submission).

gnomAD v4.1: 2 of 1,560,600 alleles (0.00013%); highest among the groups gnomAD compares: African/African-American, 0.0013%; no homozygotes.

Submission:

GeneDx
Classification: Uncertain significance. Last evaluated: 2022-11-08. Review status: criteria provided, single submitter. Criteria: GeneDx Variant Classification Process June 2021. Collection method: clinical testing. Allele origin: germline. Affected: yes.
Comment: In silico analysis supports that this missense variant has a deleterious effect on protein structure/function; Has not been previously published as pathogenic or benign to our knowledge